The following is an entry in ClinVar:

ClinVar aggregate classification (germline): Uncertain significance (1 of 4 stars; one submission).

Conditions:
Familial adenomatous polyposis 1 (FAP1). Also called: FAMILIAL ADENOMATOUS POLYPOSIS 1, ATTENUATED; POLYPOSIS, ADENOMATOUS INTESTINAL. Identifiers: MedGen C2713442, MONDO:0021056, OMIM 175100. Disease mechanism: loss of function.

Submission:

Labcorp Genetics (formerly Invitae), Labcorp
Classification: Uncertain significance for Familial adenomatous polyposis 1. Last evaluated: 2024-04-07. Review status: criteria provided, single submitter. Criteria: Invitae Variant Classification Sherloc (09022015). Collection method: clinical testing. Allele origin: germline.
Comment: This sequence change replaces proline, which is neutral and non-polar, with arginine, which is basic and polar, at codon 1992 of the APC protein (p.Pro1992Arg). This variant is not present in population databases (gnomAD no frequency). This variant has not been reported in the literature in individuals affected with APC-related conditions. Advanced modeling of protein sequence and biophysical properties (such as structural, functional, and spatial information, amino acid conservation, physicochemical variation, residue mobility, and thermodynamic stability) performed at Invitae indicates that this missense variant is not expected to disrupt APC protein function with a negative predictive value of 95%. In summary, the available evidence is currently insufficient to determine the role of this variant in disease. Therefore, it has been classified as a Variant of Uncertain Significance.

NM_000038.6(APC):c.5975C>G (p.Pro1992Arg)

Gene: APC (APC regulator of Wnt signaling pathway; plus strand). Cytogenetic location: 5q22.2.
Variant type: single nucleotide variant.
Coding change: c.5975C>G on transcript NM_000038.6 (MANE Select); coding-DNA position 5975, C replaced by G.
Protein change: p.Pro1992Arg; replaces proline 1992 with arginine.
Molecular consequence: missense variant. On other transcripts: non-coding transcript variant (2).
Genome position (GRCh38, 1-based): chr5:112,841,569, C>G. VCF-style: chr5-112841569-C-G. GRCh37 (hg19) VCF-style: chr5-112177266-C-G.
Other names: c.5975C>G, p.Pro1992Arg (NM_001127510.3, NM_001354895.2, NM_001407450.1); c.5921C>G, p.Pro1974Arg (NM_001127511.3); c.6029C>G, p.Pro2010Arg (NM_001354896.2, NM_001407447.1, NM_001407448.1 and 1 more transcripts); c.6005C>G, p.Pro2002Arg (NM_001354897.2); c.5900C>G, p.Pro1967Arg (NM_001354898.2); c.5891C>G, p.Pro1964Arg (NM_001354899.2); c.5852C>G, p.Pro1951Arg (NM_001354900.2); c.5798C>G, p.Pro1933Arg (NM_001354901.2, NM_001407453.1); and 11 more; short protein forms P1832R, P1901R, P1982R, P2010R, P2020R, P1709R, P1866R, P1891R.
Identifiers: ClinVar variation 3635492 (VCV003635492.2).